The following is an entry in ClinVar:

ClinVar aggregate classification (germline): Likely benign. Review status: criteria provided, multiple submitters, no conflicts (2 of 4 stars). 4 submissions from 3 submitters: Likely benign (4). Last evaluated 2025-08-15.

Conditions:
Autosomal dominant nocturnal frontal lobe epilepsy 5. Also called: Epilepsy, nocturnal frontal lobe, 5; CILIARY DYSKINESIA, PRIMARY, 28, WITHOUT SITUS INVERSUS; CILIARY DYSKINESIA, PRIMARY, 28, WITH SITUS INVERSUS; KCNT1-Related Epilepsy. Identifiers: Orphanet 98784, MedGen C3554306, MONDO:0014002, OMIM 615005.
Developmental and epileptic encephalopathy, 14 (DEE14). Also called: Early infantile epileptic encephalopathy 14. Identifiers: Orphanet 293181, MedGen C3554195, MONDO:0013989, OMIM 614959.

Allele frequency attached by ClinVar (database versions not stated): TOPMed 0.00002; gnomAD exomes 0.00004 and 0.00005; ExAC 0.00005; gnomAD 0.00006 and 0.00007; ESP Exome Variant Server 0.00015.
gnomAD v4.1: 69 of 1,610,934 alleles (0.0043%); highest among the groups gnomAD compares: African/African-American, 0.024%; 1 homozygote.

Submissions (4):

Labcorp Genetics (formerly Invitae), Labcorp
Classification: Likely benign for Autosomal dominant nocturnal frontal lobe epilepsy 5; Developmental and epileptic encephalopathy, 14. Last evaluated: 2025-08-15. Review status: criteria provided, single submitter. Criteria: Invitae Variant Classification Sherloc (09022015). Collection method: clinical testing. Allele origin: germline.

Genome-Nilou Lab
Classification: Likely benign for Developmental and epileptic encephalopathy, 14. Last evaluated: 2022-03-15. Review status: criteria provided, single submitter. Criteria: ACMG Guidelines, 2015. Collection method: clinical testing. Allele origin: germline. Affected: no.

Genome-Nilou Lab
Classification: Likely benign for Autosomal dominant nocturnal frontal lobe epilepsy 5. Last evaluated: 2022-03-15. Review status: criteria provided, single submitter. Criteria: ACMG Guidelines, 2015. Collection method: clinical testing. Allele origin: germline. Affected: no.

GeneDx
Classification: Likely benign. Last evaluated: 2018-01-25. Review status: criteria provided, single submitter. Criteria: GeneDx Variant Classification (06012015). Collection method: clinical testing. Allele origin: germline. Affected: yes.
Comment: This variant is considered likely benign or benign based on one or more of the following criteria: it is a conservative change, it occurs at a poorly conserved position in the protein, it is predicted to be benign by multiple in silico algorithms, and/or has population frequency not consistent with disease.

NM_020822.3(KCNT1):c.854+9C>T

Gene: KCNT1 (potassium sodium-activated channel subfamily T member 1; plus strand). Cytogenetic location: 9q34.3.
Variant type: single nucleotide variant.
Coding change: c.854+9C>T on transcript NM_020822.3 (MANE Select); 9 bases into the intron after coding-DNA position 854, C replaced by T.
Molecular consequence: intron variant.
Genome position (GRCh38, 1-based): chr9:135,758,517, C>T. VCF-style: chr9-135758517-C-T. GRCh37 (hg19) VCF-style: chr9-138650363-C-T.
Other names: c.710+9C>T (NM_001272003.2).
Identifiers: ClinVar variation 514952 (VCV000514952.11), dbSNP rs370686981, ClinGen allele CA5326669.
Genomic context (GRCh38, chr9:135,758,517, plus strand): 5'-TCAACCAGGTCCTCATCCTCTTCTGCACCCTGCTGTGCCTCGTTTTCACGGGGTGAGTGC[C>T]GGCCGTCAGTGTGAGCACCCCAGGACGTTGGGAGGGCCCGAGAGGCAAGCAGGGCCGGGC-3'